The following is an entry in ClinVar:

NM_000454.5(SOD1):c.73-108T>A

Gene: SOD1 (superoxide dismutase 1; plus strand). Cytogenetic location: 21q22.11.
Variant type: single nucleotide variant.
Coding change: c.73-108T>A on transcript NM_000454.5 (MANE Select); 108 bases into the intron before coding-DNA position 73, T replaced by A.
Molecular consequence: intron variant.
Genome position (GRCh38, 1-based): chr21:31,663,682, T>A. VCF-style: chr21-31663682-T-A. GRCh37 (hg19) VCF-style: chr21-33035995-T-A.
Identifiers: ClinVar variation 440292 (VCV000440292.59), dbSNP rs16988404, ClinGen allele CA319332660.

ClinVar aggregate classification (germline): Benign. Review status: criteria provided, multiple submitters, no conflicts (2 of 4 stars). 4 submissions from 4 submitters: Benign (4). Last evaluated 2025-10-02.

Conditions:
Amyotrophic lateral sclerosis type 1 (ALS1). Also called: AMYOTROPHIC LATERAL SCLEROSIS 1, FAMILIAL. Identifiers: Orphanet 803, MedGen C1862939, MONDO:0007103, OMIM 105400.

Allele frequency attached by ClinVar (database versions not stated): 1000 Genomes Project 30x 0.01515; 1000 Genomes Project 0.01617; TOPMed 0.02911; gnomAD 0.03342 and 0.03480.
gnomAD v4.1: 32,555 of 859,572 alleles (3.8%); highest among the groups gnomAD compares: Non-Finnish European, 4.6%; 846 homozygotes.

Submissions (4):

Labcorp Genetics (formerly Invitae), Labcorp
Classification: Benign for Amyotrophic lateral sclerosis type 1. Last evaluated: 2025-10-02. Review status: criteria provided, single submitter. Criteria: Invitae Variant Classification Sherloc (09022015). Collection method: clinical testing. Allele origin: germline.

ARUP Laboratories, Molecular Genetics and Genomics, ARUP Laboratories
Classification: Benign. Last evaluated: 2019-12-09. Review status: criteria provided, single submitter. Criteria: ARUP Molecular Germline Variant Investigation Process. Collection method: clinical testing. Allele origin: germline.

GeneDx
Classification: Benign. Last evaluated: 2018-08-17. Review status: criteria provided, single submitter. Criteria: GeneDx Variant Classification Process June 2021. Collection method: clinical testing. Allele origin: germline. Affected: yes.
Comment: This variant is associated with the following publications: (PMID: 16036425, 9462467, 9786240)

Breakthrough Genomics
Classification: Benign. Review status: criteria provided, single submitter. Criteria: ACMG Guidelines, 2015. Collection method: not provided. Allele origin: germline. Inheritance: Autosomal recessive inheritance. Affected: yes.